The following is an entry in ClinVar:

ClinVar aggregate classification (germline): Uncertain significance. Review status: criteria provided, multiple submitters, no conflicts (2 of 4 stars). 2 submissions from 2 submitters: Uncertain significance (2). Last evaluated 2025-08-03.

Conditions:
FOCAD-related disorder. Also called: FOCAD-related condition.

Allele frequency attached by ClinVar (database versions not stated): gnomAD exomes 0.00001; ExAC 0.00002.
gnomAD v4.1: 15 of 1,605,098 alleles (0.00093%); highest among the groups gnomAD compares: Non-Finnish European, 0.0013%; no homozygotes.

Submissions (2):

Labcorp Genetics (formerly Invitae), Labcorp
Classification: Uncertain significance. Last evaluated: 2025-08-03. Review status: criteria provided, single submitter. Criteria: Invitae Variant Classification Sherloc (09022015). Collection method: clinical testing. Allele origin: germline.
Comment: This sequence change replaces serine, which is neutral and polar, with arginine, which is basic and polar, at codon 1457 of the FOCAD protein (p.Ser1457Arg). This variant is present in population databases (rs781080654, gnomAD 0.002%). This variant has not been reported in the literature in individuals affected with FOCAD-related conditions. ClinVar contains an entry for this variant (Variation ID: 2630515). Experimental studies and prediction algorithms are not available or were not evaluated, and the functional significance of this variant is currently unknown. In summary, the available evidence is currently insufficient to determine the role of this variant in disease. Therefore, it has been classified as a Variant of Uncertain Significance.

PreventionGenetics, part of Exact Sciences
Classification: Uncertain significance for FOCAD-related condition. Last evaluated: 2023-01-31. Review status: criteria provided, single submitter. Criteria: ACMG Guidelines, 2015. Collection method: clinical testing. Allele origin: germline.
Comment: The FOCAD c.4369A>C variant is predicted to result in the amino acid substitution p.Ser1457Arg. To our knowledge, this variant has not been reported in the literature. This variant is reported in 0.0018% of alleles in individuals of European (Non-Finnish) descent in gnomAD. At this time, the clinical significance of this variant is uncertain due to the absence of conclusive functional and genetic evidence.

NM_001375567.1(FOCAD):c.4369A>C (p.Ser1457Arg)

Gene: FOCAD (focadhesin; plus strand). Cytogenetic location: 9p21.3.
Variant type: single nucleotide variant.
Coding change: c.4369A>C on transcript NM_001375567.1 (MANE Select); coding-DNA position 4369, A replaced by C.
Protein change: p.Ser1457Arg; replaces serine 1457 with arginine.
Molecular consequence: missense variant.
Genome position (GRCh38, 1-based): chr9:20,978,446, A>C. VCF-style: chr9-20978446-A-C. GRCh37 (hg19) VCF-style: chr9-20978445-A-C.
Other names: c.4264A>C, p.Ser1422Arg (NM_001375568.1, NM_001375570.1); c.4369A>C, p.Ser1457Arg (NM_017794.5); short protein forms S1422R, S1457R.
Identifiers: ClinVar variation 2630515 (VCV002630515.2), dbSNP rs781080654, ClinGen allele CA5007918.